The following is an entry in ClinVar:

NM_001042492.3(NF1):c.4531C>T (p.Leu1511Phe)

Gene: NF1 (neurofibromin 1; plus strand). Cytogenetic location: 17q11.2.
Variant type: single nucleotide variant.
Coding change: c.4531C>T on transcript NM_001042492.3 (MANE Select); coding-DNA position 4531, C replaced by T.
Protein change: p.Leu1511Phe; replaces leucine 1511 with phenylalanine.
Molecular consequence: missense variant.
Genome position (GRCh38, 1-based): chr17:31,260,469, C>T. VCF-style: chr17-31260469-C-T. GRCh37 (hg19) VCF-style: chr17-29587487-C-T.
Other names: c.4468C>T, p.Leu1490Phe (NM_000267.4); short protein forms L1490F, L1511F.
Identifiers: ClinVar variation 860648 (VCV000860648.6), dbSNP rs2067665189, ClinGen allele CA398999711.

ClinVar aggregate classification (germline): Uncertain significance (1 of 4 stars; one submission).

Conditions:
Neurofibromatosis, type 1 (NF1). Also called: Neurofibromatosis, type I; VON RECKLINGHAUSEN DISEASE; Peripheral type neurofibromatosis; NEUROFIBROMATOSIS, TYPE I, SOMATIC. Identifiers: Orphanet 636, MedGen C0027831, MONDO:0018975, OMIM 162200. Disease mechanism: loss of function.

Submission:

Labcorp Genetics (formerly Invitae), Labcorp
Classification: Uncertain significance for Neurofibromatosis, type 1. Last evaluated: 2023-11-10. Review status: criteria provided, single submitter. Criteria: Invitae Variant Classification Sherloc (09022015). Collection method: clinical testing. Allele origin: germline.
Comment: This sequence change replaces leucine, which is neutral and non-polar, with phenylalanine, which is neutral and non-polar, at codon 1490 of the NF1 protein (p.Leu1490Phe). This variant is not present in population databases (gnomAD no frequency). This missense change has been observed in individual(s) with clinical features of NF1-related conditions (PMID: 21520333). ClinVar contains an entry for this variant (Variation ID: 860648). Advanced modeling of protein sequence and biophysical properties (such as structural, functional, and spatial information, amino acid conservation, physicochemical variation, residue mobility, and thermodynamic stability) performed at Invitae indicates that this missense variant is expected to disrupt NF1 protein function with a positive predictive value of 95%. This variant disrupts the p.Leu1490 amino acid residue in NF1. Other variant(s) that disrupt this residue have been observed in individuals with NF1-related conditions (PMID: 25541118, 28961165), which suggests that this may be a clinically significant amino acid residue. In summary, the available evidence is currently insufficient to determine the role of this variant in disease. Therefore, it has been classified as a Variant of Uncertain Significance.

Literature cited by the submitters: PubMed 21520333; PubMed 25541118; PubMed 28961165.